The following is an entry in ClinVar:

NCBI36/hg18 10q11.22(chr10:48395612-48997386)x3

Variant type: copy number gain.
Identifiers: ClinVar variation 398143 (VCV000398143.2).

ClinVar aggregate classification (germline): Benign/Likely benign (0 of 4 stars; one submission).

Submission:

ISCA site 19
Classification: Benign/Likely benign. Review status: no assertion criteria provided. Collection method: clinical testing. Allele origin: unknown. Affected: yes. Observed: 4 variant alleles. Clinical features observed: Global developmental delay (HP:0001263).
Comment: Likely benign (1), Benign (3)

Copy number variation identified through the course of routine clinical cytogenomic testing in postnatal populations, with clinical assertions as classified by the original submitter. For data from the original published study, Kaminsky, et al. 2011 (PubMed 21844811), please see nstd101.